The following is an entry in ClinVar:

ClinVar aggregate classification (germline): Uncertain significance. Review status: criteria provided, multiple submitters, no conflicts (2 of 4 stars). 2 submissions from 2 submitters: Uncertain significance (2). Last evaluated 2025-09-25.

Conditions:
Hereditary cancer-predisposing syndrome. Also called: Hereditary Cancer Syndrome; Tumor predisposition; Hereditary neoplastic syndrome; Neoplastic Syndromes, Hereditary. Identifiers: Orphanet 140162, MedGen C0027672, MeSH D009386, MONDO:0015356.

Allele frequency attached by ClinVar (database versions not stated): gnomAD exomes below 0.00001.
gnomAD v4.1: 4 of 1,611,906 alleles (0.00025%); highest among the groups gnomAD compares: Non-Finnish European, 0.00025%; no homozygotes.

Submissions (2):

Ambry Genetics
Classification: Uncertain significance for Hereditary cancer-predisposing syndrome. Last evaluated: 2025-09-25. Review status: criteria provided, single submitter. Criteria: Ambry Variant Classification Scheme 2023. Collection method: clinical testing. Allele origin: germline.
Comment: The p.Q152R variant (also known as c.455A>G), located in coding exon 3 of the NTHL1 gene, results from an A to G substitution at nucleotide position 455. The glutamine at codon 152 is replaced by arginine, an amino acid with highly similar properties. This amino acid position is conserved. In addition, this alteration is predicted to be tolerated by in silico analysis. Since supporting evidence is limited at this time, the clinical significance of this alteration remains unclear.

Labcorp Genetics (formerly Invitae), Labcorp
Classification: Uncertain significance. Last evaluated: 2025-08-15. Review status: criteria provided, single submitter. Criteria: Invitae Variant Classification Sherloc (09022015). Collection method: clinical testing. Allele origin: germline.
Comment: This sequence change replaces glutamine, which is neutral and polar, with arginine, which is basic and polar, at codon 152 of the NTHL1 protein (p.Gln152Arg). This variant is present in population databases (no rsID available, gnomAD 0.0009%). This variant has not been reported in the literature in individuals affected with NTHL1-related conditions. ClinVar contains an entry for this variant (Variation ID: 644870). An algorithm developed to predict the effect of missense changes on protein structure and function (PolyPhen-2) suggests that this variant is likely to be tolerated. In summary, the available evidence is currently insufficient to determine the role of this variant in disease. Therefore, it has been classified as a Variant of Uncertain Significance.

NM_002528.7(NTHL1):c.431A>G (p.Gln144Arg)

Gene: NTHL1 (nth like DNA glycosylase 1; minus strand). Cytogenetic location: 16p13.3.
Variant type: single nucleotide variant.
Coding change: c.431A>G on transcript NM_002528.7 (MANE Select); coding-DNA position 431, A replaced by G.
Protein change: p.Gln144Arg; replaces glutamine 144 with arginine.
Molecular consequence: missense variant. On other transcripts: intron variant (1).
Genome position (GRCh38, 1-based): chr16:2,044,724, T>C on the plus strand (A>G on the coding strand, the complement: NTHL1 is on the minus strand). VCF-style: chr16-2044724-T-C. GRCh37 (hg19) VCF-style: chr16-2094725-T-C.
Other names: c.455A>G (NM_002528.5); c.431A>G, p.Gln144Arg (LRG_1366t1); c.101A>G, p.Gln34Arg (NM_001318194.2); c.355-998A>G (NM_001318193.2); short protein forms Q144R, Q34R.
Identifiers: ClinVar variation 644870 (VCV000644870.12), dbSNP rs1379407122, ClinGen allele CA394294359.